The following is an entry in ClinVar:

ClinVar aggregate classification (germline): Uncertain significance (1 of 4 stars; one submission).

Submission:

Ambry Genetics
Classification: Uncertain significance. Last evaluated: 2023-01-21. Review status: criteria provided, single submitter. Criteria: Ambry Variant Classification Scheme 2023. Collection method: clinical testing. Allele origin: germline.
Comment: The p.R1152L variant (also known as c.3455G>T), located in coding exon 29 of the PRKDC gene, results from a G to T substitution at nucleotide position 3455. The arginine at codon 1152 is replaced by leucine, an amino acid with dissimilar properties. This amino acid position is conserved. In addition, the in silico prediction for this alteration is inconclusive. Since supporting evidence is limited at this time, the clinical significance of this alteration remains unclear.

NM_006904.7(PRKDC):c.3455G>T (p.Arg1152Leu)

Gene: PRKDC (protein kinase, DNA-activated, catalytic subunit; minus strand). Cytogenetic location: 8q11.21.
Variant type: single nucleotide variant.
Coding change: c.3455G>T on transcript NM_006904.7 (MANE Select); coding-DNA position 3455, G replaced by T.
Protein change: p.Arg1152Leu; replaces arginine 1152 with leucine.
Molecular consequence: missense variant.
Genome position (GRCh38, 1-based): chr8:47,898,479, C>A on the plus strand (G>T on the coding strand, the complement: PRKDC is on the minus strand). VCF-style: chr8-47898479-C-A. GRCh37 (hg19) VCF-style: chr8-48811039-C-A.
Other names: c.3455G>T, p.Arg1152Leu (NM_001081640.2); short protein forms R1152L.
Identifiers: ClinVar variation 2449866 (VCV002449866.2), dbSNP rs751701895, ClinGen allele CA371154324.